The following is an entry in ClinVar:

NM_005529.7(HSPG2):c.769C>T (p.Arg257Trp)

Gene: HSPG2 (heparan sulfate proteoglycan 2; minus strand). Cytogenetic location: 1p36.12.
Variant type: single nucleotide variant.
Coding change: c.769C>T on transcript NM_005529.7 (MANE Select); coding-DNA position 769, C replaced by T.
Protein change: p.Arg257Trp; replaces arginine 257 with tryptophan.
Molecular consequence: missense variant.
Genome position (GRCh38, 1-based): chr1:21,887,609, G>A on the plus strand (C>T on the coding strand, the complement: HSPG2 is on the minus strand). VCF-style: chr1-21887609-G-A. GRCh37 (hg19) VCF-style: chr1-22214102-G-A.
Other names: c.769C>T, p.Arg257Trp (NM_001291860.2); c.769C>T (NM_005529.5); short protein forms R257W.
Identifiers: ClinVar variation 498648 (VCV000498648.27), dbSNP rs535956121, ClinGen allele CA673710.

ClinVar aggregate classification (germline): Conflicting classifications of pathogenicity. Review status: criteria provided, conflicting classifications (1 of 4 stars). 5 submissions from 5 submitters: Uncertain significance (3); Likely benign (2). Last evaluated 2026-01-04.

Conditions:
Inborn genetic diseases. Identifiers: MedGen C0950123, MeSH D030342.

Allele frequency attached by ClinVar (database versions not stated): gnomAD 0.00006 and 0.00007; 1000 Genomes Project 30x 0.00016; TOPMed 0.00019; 1000 Genomes Project 0.00020; ExAC 0.00028; gnomAD exomes 0.00035.

Submissions (5):

Labcorp Genetics (formerly Invitae), Labcorp
Classification: Likely benign. Last evaluated: 2026-01-04. Review status: criteria provided, single submitter. Criteria: Invitae Variant Classification Sherloc (09022015). Collection method: clinical testing. Allele origin: germline.

Ambry Genetics
Classification: Likely benign for Inborn genetic diseases. Last evaluated: 2024-03-31. Review status: criteria provided, single submitter. Criteria: Ambry Variant Classification Scheme 2023. Collection method: clinical testing. Allele origin: germline.

ARUP Laboratories, Molecular Genetics and Genomics, ARUP Laboratories
Classification: Uncertain significance. Last evaluated: 2023-08-09. Review status: criteria provided, single submitter. Criteria: ARUP Molecular Germline Variant Investigation Process 2024. Collection method: clinical testing. Allele origin: germline.
Comment: The HSPG2 c.769C>T; p.Arg257Trp variant (rs535956121), to our knowledge, is not reported in the medical literature but is reported in ClinVar (Variation ID: 498648). This variant is found in the Latino population with an allele frequency of 0.24% (86/35392 alleles, including 1 homozygote) in the Genome Aggregation Database. Computational analyses are uncertain whether this variant is neutral or deleterious (REVEL: 0.203). While the high population frequency suggests that this is likely a benign variant, given the lack of clinical and functional data, the significance of the p.Arg257Trp variant is uncertain at this time.

Revvity Omics, Revvity
Classification: Uncertain significance. Last evaluated: 2019-01-30. Review status: criteria provided, single submitter. Criteria: ACMG Guidelines, 2015. Collection method: clinical testing. Allele origin: germline.

Eurofins Ntd Llc (ga)
Classification: Uncertain significance. Last evaluated: 2016-12-02. Review status: criteria provided, single submitter. Criteria: EGL Classification Definitions 2015. Collection method: clinical testing. Allele origin: germline. Observed: 1 variant allele, 1 heterozygote.